The following is an entry in ClinVar:

NM_000529.2(MC2R):c.579_581del (p.Tyr193_Val194delinsTer)

Gene: MC2R (melanocortin 2 receptor; minus strand). Cytogenetic location: 18p11.21.
Variant type: Deletion.
Coding change: c.579_581del on transcript NM_000529.2 (MANE Select); coding-DNA positions 579 to 581, 3 bases deleted (TGT; older notation c.579_581delTGT).
Protein change: p.Tyr193_Val194delinsTer.
Molecular consequence: nonsense.
Genome position (GRCh38, 1-based): chr18:13,884,938-13,884,940, ACA deleted on the plus strand (TGT on the coding strand, the reverse complement: MC2R is on the minus strand). VCF-style (leftmost placement, unchanged base first): chr18-13884937-CACA-C. GRCh37 (hg19) VCF-style: chr18-13884936-CACA-C.
Other names: c.579_581del, p.Tyr193_Val194delinsTer (NM_001291911.1); c.579_581delTGT (NM_000529.2).
Identifiers: ClinVar variation 279974 (VCV000279974.2), dbSNP rs886041294, ClinGen allele CA10603618.

ClinVar aggregate classification (germline): Pathogenic (1 of 4 stars; one submission).

Submission:

GeneDx
Classification: Pathogenic. Last evaluated: 2015-09-15. Review status: criteria provided, single submitter. Criteria: GeneDx Variant Classification (06012015). Collection method: clinical testing. Allele origin: germline. Affected: yes.
Comment: The c.579_581delTGT variant in the MC2R gene has been reported previously in the homozygous state in several individuals from a consanguineous kindred with glucocorticoid deficiency-1 and a clinical diagnosis of salt-losing adrenal hypoplasia (Lin et al., 2007). The c.579_581delTGT variant causes an in-frame deletion of a single amino acid and is predicted to cause loss of normal protein function through protein truncation. The c.579_581delTGT variant was not observed in approximately 6500 individuals of European and African American ancestry in the NHLBI Exome Sequencing Project, indicating it is not a common benign variant in these populations. We interpret c.579_581delTGT as a pathogenic variant.